The following is an entry in ClinVar:

ClinVar aggregate classification (germline): Uncertain significance. Review status: criteria provided, multiple submitters, no conflicts (2 of 4 stars). 3 submissions from 3 submitters: Uncertain significance (3). Last evaluated 2024-02-17.

Conditions:
Hereditary cancer-predisposing syndrome. Also called: Neoplastic Syndromes, Hereditary; Tumor predisposition; Hereditary neoplastic syndrome; Hereditary Cancer Syndrome. Identifiers: Orphanet 140162, MedGen C0027672, MeSH D009386, MONDO:0015356.
Cardiovascular phenotype. Identifiers: MedGen CN230736.
LZTR1-related schwannomatosis. Also called: Schwannomatosis 2; Schwannomatosis-2, susceptibility to. Identifiers: Orphanet 93921, MedGen C3810283, MONDO:0014299, OMIM 615670.

gnomAD v4.1: 2 of 1,610,530 alleles (0.00012%); highest among the groups gnomAD compares: East Asian, 0.0022%; no homozygotes.

Submissions (3):

Labcorp Genetics (formerly Invitae), Labcorp
Classification: Uncertain significance. Last evaluated: 2024-02-17. Review status: criteria provided, single submitter. Criteria: Invitae Variant Classification Sherloc (09022015). Collection method: clinical testing. Allele origin: germline.
Comment: This sequence change replaces aspartic acid, which is acidic and polar, with glycine, which is neutral and non-polar, at codon 543 of the LZTR1 protein (p.Asp543Gly). This variant is not present in population databases (gnomAD no frequency). This variant has not been reported in the literature in individuals affected with LZTR1-related conditions. Advanced modeling of protein sequence and biophysical properties (such as structural, functional, and spatial information, amino acid conservation, physicochemical variation, residue mobility, and thermodynamic stability) performed at Invitae indicates that this missense variant is not expected to disrupt LZTR1 protein function with a negative predictive value of 80%. In summary, the available evidence is currently insufficient to determine the role of this variant in disease. Therefore, it has been classified as a Variant of Uncertain Significance.

Baylor Genetics
Classification: Uncertain significance for LZTR1-related schwannomatosis. Last evaluated: 2023-12-19. Review status: criteria provided, single submitter. Criteria: ACMG Guidelines, 2015. Collection method: clinical testing. Allele origin: unknown.

Ambry Genetics
Classification: Uncertain significance for Cardiovascular phenotype; Hereditary cancer-predisposing syndrome. Last evaluated: 2023-11-29. Review status: criteria provided, single submitter. Criteria: Ambry Variant Classification Scheme 2023. Collection method: clinical testing. Allele origin: germline.
Comment: The p.D543G variant (also known as c.1628A>G), located in coding exon 15 of the LZTR1 gene, results from an A to G substitution at nucleotide position 1628. The aspartic acid at codon 543 is replaced by glycine, an amino acid with similar properties. This amino acid position is conserved. In addition, this alteration is predicted to be deleterious by in silico analysis. Since supporting evidence is limited at this time, the clinical significance of this alteration remains unclear.

NM_006767.4(LZTR1):c.1628A>G (p.Asp543Gly)

Gene: LZTR1 (leucine zipper like post translational regulator 1; plus strand). Cytogenetic location: 22q11.21.
Variant type: single nucleotide variant.
Coding change: c.1628A>G on transcript NM_006767.4 (MANE Select); coding-DNA position 1628, A replaced by G.
Protein change: p.Asp543Gly; replaces aspartic acid 543 with glycine.
Molecular consequence: missense variant.
Genome position (GRCh38, 1-based): chr22:20,994,570, A>G. VCF-style: chr22-20994570-A-G. GRCh37 (hg19) VCF-style: chr22-21348859-A-G.
Other names: short protein forms D543G.
Identifiers: ClinVar variation 3238116 (VCV003238116.4), dbSNP rs2518621651.